The following is an entry in ClinVar:

GRCh38/hg38 6p25.3-23(chr6:389423-13474956)x3

Genes: LY86 (lymphocyte antigen 86; plus strand), LY86-AS1 (LY86 antisense RNA 1; minus strand), LYRM4 (LYR motif containing 4; minus strand), LYRM4-AS1 (LYRM4 antisense RNA 1; plus strand), MAK (male germ cell associated kinase; minus strand) and 533 more. Cytogenetic location: 6p25.3-23.
Variant type: copy number gain.
Change: copy number 3 (three copies instead of two) of chr6:389,423-13,474,956 (13.09 Mb, GRCh38 coordinates, 1-based), cytogenetic band 6p25.3-23.
Identifiers: ClinVar variation 58150 (VCV000058150.2).

ClinVar aggregate classification (germline): Pathogenic (1 of 4 stars; one submission).

Submission:

ISCA Site 6
Classification: Pathogenic. Last evaluated: 2011-08-12. Review status: criteria provided, single submitter. Criteria: Kaminsky et al. (Genet Med. 2011). Collection method: clinical testing. Allele origin: de novo. Affected: yes. Observed: 1 variant allele.
Comment: Copy number variation identified through the course of routine clinical cytogenomic testing in postnatal populations. Clinical assertions have been curated as described in Kaminsky et al. 2011.